The following is an entry in ClinVar:

NM_000186.4(CFH):c.3503T>A (p.Val1168Glu)

Gene: CFH (complement factor H; plus strand). Cytogenetic location: 1q31.3.
Variant type: single nucleotide variant.
Coding change: c.3503T>A on transcript NM_000186.4 (MANE Select); coding-DNA position 3503, T replaced by A.
Protein change: p.Val1168Glu; replaces valine 1168 with glutamic acid.
Molecular consequence: missense variant.
Genome position (GRCh38, 1-based): chr1:196,747,120, T>A. VCF-style: chr1-196747120-T-A. GRCh37 (hg19) VCF-style: chr1-196716250-T-A.
Other names: short protein forms V1168E.
Identifiers: ClinVar variation 4291592 (VCV004291592.1).

ClinVar aggregate classification (germline): Uncertain significance (1 of 4 stars; one submission).

Conditions:
Atypical hemolytic-uremic syndrome. Identifiers: Orphanet 2134, MedGen C2931788, MONDO:0016244.

Submission:

Genomenon, Inc
Classification: Uncertain significance for Atypical hemolytic-uremic syndrome. Last evaluated: 2025-10-02. Review status: criteria provided, single submitter. Criteria: Genomenon Sequence Variant Interpretation Standards - Updated. Collection method: curation. Allele origin: germline. Affected: yes.
Comment: CFH p.Val1168Glu (c.3503T>A) is a missense variant that changes the amino acid at residue 1168 from Valine to Glutamic acid. This variant has been observed in at least one proband affected with atypical hemolytic-uremic syndrome (PMID:18268093). It is absent or not present at a significant frequency in gnomAD. In silico models agree that this variant is not damaging. In conclusion, we classify CFH p.Val1168Glu (c.3503T>A) as a variant of uncertain significance.

Literature cited by the submitters: PubMed 18268093.